The following is an entry in ClinVar:

NM_001291303.3(FAT4):c.12002A>C (p.Tyr4001Ser)

Gene: FAT4 (FAT atypical cadherin 4; plus strand). Cytogenetic location: 4q28.1.
Variant type: single nucleotide variant.
Coding change: c.12002A>C on transcript NM_001291303.3 (MANE Select); coding-DNA position 12002, A replaced by C.
Protein change: p.Tyr4001Ser; replaces tyrosine 4001 with serine.
Molecular consequence: missense variant.
Genome position (GRCh38, 1-based): chr4:125,468,608, A>C. VCF-style: chr4-125468608-A-C. GRCh37 (hg19) VCF-style: chr4-126389763-A-C.
Other names: c.12002A>C, p.Tyr4001Ser (NM_001291285.3); c.11996A>C, p.Tyr3999Ser (NM_024582.6); c.11996A>C (NM_024582.4); short protein forms Y3999S, Y4001S.
Identifiers: ClinVar variation 2875027 (VCV002875027.3), dbSNP rs2530974904, ClinGen allele CA358127837.

ClinVar aggregate classification (germline): Uncertain significance. Review status: criteria provided, multiple submitters, no conflicts (2 of 4 stars). 2 submissions from 2 submitters: Uncertain significance (2). Last evaluated 2025-09-05.

Conditions:
Inborn genetic diseases. Identifiers: MedGen C0950123, MeSH D030342.

Allele frequency attached by ClinVar (database versions not stated): gnomAD exomes 0.00005.
gnomAD v4.1: 70 of 1,614,106 alleles (0.0043%); highest among the groups gnomAD compares: Non-Finnish European, 0.0059%; no homozygotes.

Submissions (2):

Ambry Genetics
Classification: Uncertain significance for Inborn genetic diseases. Last evaluated: 2025-09-05. Review status: criteria provided, single submitter. Criteria: Ambry Variant Classification Scheme 2023. Collection method: clinical testing. Allele origin: germline.

Labcorp Genetics (formerly Invitae), Labcorp
Classification: Uncertain significance. Last evaluated: 2024-04-11. Review status: criteria provided, single submitter. Criteria: Invitae Variant Classification Sherloc (09022015). Collection method: clinical testing. Allele origin: germline.
Comment: This sequence change replaces tyrosine, which is neutral and polar, with serine, which is neutral and polar, at codon 3999 of the FAT4 protein (p.Tyr3999Ser). This variant is not present in population databases (gnomAD no frequency). This variant has not been reported in the literature in individuals affected with FAT4-related conditions. Advanced modeling of protein sequence and biophysical properties (such as structural, functional, and spatial information, amino acid conservation, physicochemical variation, residue mobility, and thermodynamic stability) performed at Invitae indicates that this missense variant is not expected to disrupt FAT4 protein function with a negative predictive value of 95%. In summary, the available evidence is currently insufficient to determine the role of this variant in disease. Therefore, it has been classified as a Variant of Uncertain Significance.